The following is an entry in ClinVar:

ClinVar aggregate classification (germline): Likely benign. Review status: criteria provided, multiple submitters, no conflicts (2 of 4 stars). 3 submissions from 3 submitters: Likely benign (3). Last evaluated 2023-12-18.

Conditions:
Hereditary nonpolyposis colorectal neoplasms. Identifiers: MedGen C0009405, MeSH D003123.
Lynch syndrome. Identifiers: Orphanet 144, MedGen C4552100, MONDO:0005835. Disease mechanism: loss of function.
Hereditary cancer-predisposing syndrome. Also called: Tumor predisposition; Hereditary Cancer Syndrome; Neoplastic Syndromes, Hereditary; Hereditary neoplastic syndrome. Identifiers: Orphanet 140162, MedGen C0027672, MeSH D009386, MONDO:0015356.

Allele frequency attached by ClinVar (database versions not stated): gnomAD exomes below 0.00001; gnomAD 0.00001; TOPMed 0.00001.
gnomAD v4.1: 8 of 1,471,136 alleles (0.00054%); highest among the groups gnomAD compares: East Asian, 0.014%; no homozygotes.

Submissions (3):

All of Us Research Program, National Institutes of Health
Classification: Likely benign for Lynch syndrome. Last evaluated: 2023-12-18. Review status: criteria provided, single submitter. Criteria: ACMG Guidelines, 2015. Collection method: clinical testing. Allele origin: germline. Inheritance: Autosomal dominant inheritance. Observed: 3 variant alleles, 3 heterozygotes.
Comment: This study involves interpretation of variants in research participants for the purpose of population health screening. Participant phenotype was not available at the time of variant classification. Additional details can be found in publication PMID: 35346344, PMCID: PMC8962531

Labcorp Genetics (formerly Invitae), Labcorp
Classification: Likely benign for Hereditary nonpolyposis colorectal neoplasms. Last evaluated: 2023-12-08. Review status: criteria provided, single submitter. Criteria: Invitae Variant Classification Sherloc (09022015). Collection method: clinical testing. Allele origin: germline.

Ambry Genetics
Classification: Likely benign for Hereditary cancer-predisposing syndrome. Last evaluated: 2019-12-04. Review status: criteria provided, single submitter. Criteria: Ambry Variant Classification Scheme 2023. Collection method: clinical testing. Allele origin: germline.

NM_000535.7(PMS2):c.904-5T>G

Gene: PMS2 (PMS1 homolog 2, mismatch repair system component; minus strand). Cytogenetic location: 7p22.1.
Variant type: single nucleotide variant.
Coding change: c.904-5T>G on transcript NM_000535.7 (MANE Select); 5 bases into the intron before coding-DNA position 904, T replaced by G.
Molecular consequence: intron variant.
Genome position (GRCh38, 1-based): chr7:5,992,062, A>C on the plus strand (T>G on the coding strand, the complement: PMS2 is on the minus strand). VCF-style: chr7-5992062-A-C. GRCh37 (hg19) VCF-style: chr7-6031693-A-C.
Other names: c.586-5T>G (NM_001322008.2, NM_001322007.2); c.499-5T>G (NM_001322010.2, NM_001322004.2, NM_001322003.2 and 2 more transcripts); c.331-5T>G (NM_001322013.2); c.-30-5T>G (NM_001322012.2, NM_001322011.2); c.595-5T>G (NM_001322015.2); c.904-5T>G (NM_001322014.2, NM_001322006.2).
Identifiers: ClinVar variation 822939 (VCV000822939.14), dbSNP rs1159396042, ClinGen allele CA840181612.